The following is an entry in ClinVar:

ClinVar aggregate classification (germline): Uncertain significance (1 of 4 stars; one submission).

Allele frequency attached by ClinVar (database versions not stated): gnomAD 0.00001; TOPMed 0.00001.
gnomAD v4.1: 2 of 1,613,518 alleles (0.00012%); highest among the groups gnomAD compares: African/African-American, 0.0027%; no homozygotes.

Submission:

Labcorp Genetics (formerly Invitae), Labcorp
Classification: Uncertain significance. Last evaluated: 2025-02-07. Review status: criteria provided, single submitter. Criteria: Invitae Variant Classification Sherloc (09022015). Collection method: clinical testing. Allele origin: germline.
Comment: This sequence change replaces proline, which is neutral and non-polar, with serine, which is neutral and polar, at codon 3897 of the HMCN1 protein (p.Pro3897Ser). This variant is not present in population databases (gnomAD no frequency). This variant has not been reported in the literature in individuals affected with HMCN1-related conditions. ClinVar contains an entry for this variant (Variation ID: 1522048). An algorithm developed to predict the effect of missense changes on protein structure and function (PolyPhen-2) suggests that this variant is likely to be disruptive. In summary, the available evidence is currently insufficient to determine the role of this variant in disease. Therefore, it has been classified as a Variant of Uncertain Significance.

NM_031935.3(HMCN1):c.11689C>T (p.Pro3897Ser)

Gene: HMCN1 (hemicentin 1; plus strand). Cytogenetic location: 1q31.1.
Variant type: single nucleotide variant.
Coding change: c.11689C>T on transcript NM_031935.3 (MANE Select); coding-DNA position 11689, C replaced by T.
Protein change: p.Pro3897Ser; replaces proline 3897 with serine.
Molecular consequence: missense variant.
Genome position (GRCh38, 1-based): chr1:186,117,464, C>T. VCF-style: chr1-186117464-C-T. GRCh37 (hg19) VCF-style: chr1-186086596-C-T.
Other names: short protein forms P3897S.
Identifiers: ClinVar variation 1522048 (VCV001522048.6), dbSNP rs979127566, ClinGen allele CA33507527.
Genomic context (GRCh38, chr1:186,117,464, plus strand): 5'-TTTAAGGGCTGGAAATGTGTAGTTTTTTCCCTTTTTGTTGTTGTTGTTGTTTTAGTTCCA[C>T]CTTCCATAGCTGATGAGCCTACAGATTTCCTAGTAACCAAACATGCCCCAGCAGTAATTA-3'
Protein context (NP_114141.2, residues 3887-3907): RTVDLTVQVP[Pro3897Ser]SIADEPTDFL